The following is an entry in ClinVar:

ClinVar aggregate classification (germline): Uncertain significance. Review status: criteria provided, multiple submitters, no conflicts (2 of 4 stars). 5 submissions from 5 submitters: Uncertain significance (5). Last evaluated 2026-02-03.

Conditions:
Long QT syndrome 2 (LQT2). Identifiers: Orphanet 101016, Orphanet 768, MedGen C3150943, MONDO:0013367, OMIM 613688.
Short QT syndrome type 1. Identifiers: Orphanet 51083, MedGen C1865020, MONDO:0012312, OMIM 609620.
Cardiovascular phenotype. Identifiers: MedGen CN230736.
Long QT syndrome (LQTS). Identifiers: MedGen C0023976, MeSH D008133, MONDO:0002442. Disease mechanism: loss of function. Inheritance: Various modes of inheritance.

gnomAD v4.1: 47 of 1,457,728 alleles (0.0032%); highest among the groups gnomAD compares: Non-Finnish European, 0.0042%; no homozygotes.

Submissions (5):

Women's Health and Genetics/Laboratory Corporation of America, LabCorp
Classification: Uncertain significance. Last evaluated: 2026-02-03. Review status: criteria provided, single submitter. Criteria: LabCorp Variant Classification Summary - May 2015. Collection method: clinical testing. Allele origin: germline.
Comment: Variant summary: KCNH2 c.695G>T (p.Arg232Leu) results in a non-conservative amino acid change in the encoded protein sequence. Algorithms developed to predict the effect of missense changes on protein structure and function all suggest that this variant is likely to be disruptive. The frequency data for this variant in gnomAD is considered unreliable, as metrics indicate poor data quality at this position. To our knowledge, no occurrence of c.695G>T in individuals affected with KCNH2-related conditions and no experimental evidence demonstrating its impact on protein function have been reported. ClinVar contains an entry for this variant (Variation ID: 264446). Based on the evidence outlined above, the variant was classified as uncertain significance.

Labcorp Genetics (formerly Invitae), Labcorp
Classification: Uncertain significance for Long QT syndrome. Last evaluated: 2026-01-13. Review status: criteria provided, single submitter. Criteria: Invitae Variant Classification Sherloc (09022015). Collection method: clinical testing. Allele origin: germline.
Comment: This sequence change replaces arginine, which is basic and polar, with leucine, which is neutral and non-polar, at codon 232 of the KCNH2 protein (p.Arg232Leu). This variant is not present in population databases (gnomAD no frequency). This variant has not been reported in the literature in individuals affected with KCNH2-related conditions. ClinVar contains an entry for this variant (Variation ID: 264446). An algorithm developed to predict the effect of missense changes on protein structure and function (PolyPhen-2) suggests that this variant is likely to be tolerated. In summary, the available evidence is currently insufficient to determine the role of this variant in disease. Therefore, it has been classified as a Variant of Uncertain Significance.

GeneDx
Classification: Uncertain significance. Last evaluated: 2024-11-08. Review status: criteria provided, single submitter. Criteria: GeneDx Variant Classification Process June 2021. Collection method: clinical testing. Allele origin: germline. Affected: yes.
Comment: Not observed at significant frequency in large population cohorts (gnomAD); In silico analysis supports that this missense variant has a deleterious effect on protein structure/function; Has not been previously published as pathogenic or benign to our knowledge

Ambry Genetics
Classification: Uncertain significance for Cardiovascular phenotype. Last evaluated: 2023-09-20. Review status: criteria provided, single submitter. Criteria: Ambry Variant Classification Scheme 2023. Collection method: clinical testing. Allele origin: germline.
Comment: The p.R232L variant (also known as c.695G>T), located in coding exon 4 of the KCNH2 gene, results from a G to T substitution at nucleotide position 695. The arginine at codon 232 is replaced by leucine, an amino acid with dissimilar properties, and is located in the cytoplasmic N-terminal region. This amino acid position is not well conserved in available vertebrate species. In addition, the in silico prediction for this alteration is inconclusive. Since supporting evidence is limited at this time, the clinical significance of this variant remains unclear.

Fulgent Genetics
Classification: Uncertain significance for Short QT syndrome type 1; Long QT syndrome 2. Last evaluated: 2021-11-22. Review status: criteria provided, single submitter. Criteria: ACMG Guidelines, 2015. Collection method: clinical testing. Allele origin: unknown.

NM_000238.4(KCNH2):c.695G>T (p.Arg232Leu)

Gene: KCNH2 (potassium voltage-gated channel subfamily H member 2; minus strand). Cytogenetic location: 7q36.1.
Variant type: single nucleotide variant.
Coding change: c.695G>T on transcript NM_000238.4 (MANE Select); coding-DNA position 695, G replaced by T.
Protein change: p.Arg232Leu; replaces arginine 232 with leucine.
Molecular consequence: missense variant.
Genome position (GRCh38, 1-based): chr7:150,958,280, C>A on the plus strand (G>T on the coding strand, the complement: KCNH2 is on the minus strand). VCF-style: chr7-150958280-C-A. GRCh37 (hg19) VCF-style: chr7-150655368-C-A.
Other names: c.695G>T, p.Arg232Leu (NM_172056.3); c.695G>T (NM_000238.2); c.407G>T, p.Arg136Leu (NM_001406753.1, NM_001406756.1); c.518G>T, p.Arg173Leu (NM_001406755.1); c.395G>T, p.Arg132Leu (NM_001406757.1); short protein forms R232L, R173L, R136L, R132L.
Identifiers: ClinVar variation 264446 (VCV000264446.16), dbSNP rs886039160, ClinGen allele CA10587638.